The following is an entry in ClinVar:

NM_005068.3(SIM1):c.745G>A (p.Val249Met)

Gene: SIM1 (SIM bHLH transcription factor 1; minus strand). Cytogenetic location: 6q16.3.
Variant type: single nucleotide variant.
Coding change: c.745G>A on transcript NM_005068.3 (MANE Select); coding-DNA position 745, G replaced by A.
Protein change: p.Val249Met; replaces valine 249 with methionine.
Molecular consequence: missense variant.
Genome position (GRCh38, 1-based): chr6:100,448,251, C>T on the plus strand (G>A on the coding strand, the complement: SIM1 is on the minus strand). VCF-style: chr6-100448251-C-T. GRCh37 (hg19) VCF-style: chr6-100896127-C-T.
Other names: c.745G>A, p.Val249Met (NM_001374769.1); short protein forms V249M.
Identifiers: ClinVar variation 4986177 (VCV004986177.1).

ClinVar aggregate classification (germline): Uncertain significance (1 of 4 stars; one submission).

Conditions:
SIM1-related disorder. Also called: SIM1-related disorders; SIM1-related condition.

gnomAD v4.1: 2 of 1,611,156 alleles (0.00012%); highest among the groups gnomAD compares: African/African-American, 0.0027%; no homozygotes.

Submission:

PreventionGenetics, part of Exact Sciences
Classification: Uncertain significance for SIM1-related condition. Last evaluated: 2026-01-30. Review status: criteria provided, single submitter. Criteria: ACMG Guidelines, 2015. Collection method: clinical testing. Allele origin: germline.
Comment: The SIM1 c.745G>A variant is predicted to result in the amino acid substitution p.Val249Met. To our knowledge, this variant has not been reported in the literature. This variant is reported in 0.013% of alleles in individuals of African descent in gnomAD. At this time, the clinical significance of this variant is uncertain due to the absence of conclusive functional and genetic evidence.